The following is an entry in ClinVar:

NM_001430.5(EPAS1):c.903G>T (p.Gln301His)

Gene: EPAS1 (endothelial PAS domain protein 1; plus strand). Cytogenetic location: 2p21.
Variant type: single nucleotide variant.
Coding change: c.903G>T on transcript NM_001430.5 (MANE Select); coding-DNA position 903, G replaced by T.
Protein change: p.Gln301His; replaces glutamine 301 with histidine.
Molecular consequence: missense variant.
Genome position (GRCh38, 1-based): chr2:46,375,706, G>T. VCF-style: chr2-46375706-G-T. GRCh37 (hg19) VCF-style: chr2-46602845-G-T.
Other names: short protein forms Q301H.
Identifiers: ClinVar variation 3508998 (VCV003508998.1).
Genomic context (GRCh38, chr2:46,375,706, plus strand): 5'-CCTGCCCCACCTCCCTAAGCTCAGCTCTGTTTCTCCTCCCCTAGTGTGCACCAAGGGTCA[G>T]GTAGTAAGTGGCCAGTACCGGATGCTCGCAAAGCATGGGGGCTACGTGTGGCTGGAGACC-3'
Protein context (NP_001421.2, residues 291-311): KSHQNLCTKG[Gln301His]VVSGQYRMLA

ClinVar aggregate classification (germline): Uncertain significance (1 of 4 stars; one submission).

Conditions:
Inborn genetic diseases. Identifiers: MedGen C0950123, MeSH D030342.

Submission:

Ambry Genetics
Classification: Uncertain significance for Inborn genetic diseases. Last evaluated: 2024-10-12. Review status: criteria provided, single submitter. Criteria: Ambry Variant Classification Scheme 2023. Collection method: clinical testing. Allele origin: germline.
Comment: The p.Q301H variant (also known as c.903G>T), located in coding exon 8 of the EPAS1 gene, results from a G to T substitution at nucleotide position 903. The glutamine at codon 301 is replaced by histidine, an amino acid with highly similar properties. This amino acid position is conserved. In addition, the in silico prediction for this alteration is inconclusive. Based on the available evidence, the clinical significance of this variant remains unclear.